The following is an entry in ClinVar:

ClinVar aggregate classification (germline): Pathogenic (1 of 4 stars; one submission).

Submission:

GeneDx
Classification: Pathogenic. Last evaluated: 2018-11-01. Review status: criteria provided, single submitter. Criteria: GeneDx Variant Classification (06012015). Collection method: clinical testing. Allele origin: germline. Affected: yes.
Comment: The c.2619_2620delTA variant in the KMT2A gene has not been reported previously as a pathogenic variant nor as a benign variant, to our knowledge. The c.2619_2620delTA variant causes a frameshift starting with codon Serine 873, changes this amino acid to an Arginine residue, and creates a premature Stop codon at position 12 of the new reading frame, denoted p.Ser873ArgfsX12. This variant is predicted to cause loss of normal protein function either through protein truncation or nonsense-mediated mRNA decay. The c.2619_2620delTA variant is not observed in large population cohorts (Lek et al., 2016). We interpret c.2619_2620delTA as a pathogenic variant.

NM_001197104.2(KMT2A):c.2619_2620del (p.Ser873fs)

Gene: KMT2A (lysine methyltransferase 2A; plus strand). Cytogenetic location: 11q23.3.
Variant type: Deletion.
Coding change: c.2619_2620del on transcript NM_001197104.2 (MANE Select); coding-DNA positions 2619 to 2620, 2 bases deleted (TA; older notation c.2619_2620delTA).
Protein change: p.Ser873fs; shifts the reading frame from serine 873.
Molecular consequence: frameshift variant.
Genome position (GRCh38, 1-based): chr11:118,473,778-118,473,779, TA deleted. VCF-style (leftmost placement, unchanged base first): chr11-118473777-GTA-G. GRCh37 (hg19) VCF-style: chr11-118344492-GTA-G.
Other names: c.2619_2620del, p.Ser873fs (NM_005933.4); short protein forms S873fs.
Identifiers: ClinVar variation 817860 (VCV000817860.1), dbSNP rs1591376082, ClinGen allele CA915947812.
Genomic context (GRCh38, chr11:118,473,777, plus strand): 5'-AGGCCCCCGAGGAGCTGTCCAAAGATCGAGATGCTGACAAGAGCGTGGAGAAGGACAAGA[GTA>G]GAGAGAGAGACCGGGAGAGAGAAAAGGAGAATAAGCGGGAGTCAAGGAAAGAGAAAAGGA-3'